The following is an entry in ClinVar:

ClinVar aggregate classification (germline): Benign/Likely benign. Review status: criteria provided, multiple submitters, no conflicts (2 of 4 stars). 3 submissions from 3 submitters: Benign (1); Likely benign (1). 1 of the submissions does not count toward it. Last evaluated 2025-11-10.

Conditions:
ERMARD-related disorder. Also called: ERMARD-related condition.

Allele frequency attached by ClinVar (database versions not stated): gnomAD exomes 0.00008 and 0.00022; ExAC 0.00024; 1000 Genomes Project 0.00060; 1000 Genomes Project 30x 0.00062; gnomAD 0.00079 and 0.00081; TOPMed 0.00080; ESP Exome Variant Server 0.00108.
gnomAD v4.1: 258 of 1,614,194 alleles (0.016%); highest among the groups gnomAD compares: African/African-American, 0.24%; 1 homozygote.

Submissions (3):

Labcorp Genetics (formerly Invitae), Labcorp
Classification: Likely benign. Last evaluated: 2025-11-10. Review status: criteria provided, single submitter. Criteria: Invitae Variant Classification Sherloc (09022015). Collection method: clinical testing. Allele origin: germline.

Genetic Services Laboratory, University of Chicago
Classification: Benign. Last evaluated: 2016-08-30. Review status: criteria provided, single submitter. Criteria: ACMG Guidelines, 2015. Collection method: clinical testing. Allele origin: germline. Affected: no.

PreventionGenetics, part of Exact Sciences
Classification: Likely benign for ERMARD-related condition. Last evaluated: 2023-02-03. Review status: no assertion criteria provided. Collection method: clinical testing. Allele origin: germline. Not counted in ClinVar's aggregate classification.
Comment: This variant is classified as likely benign based on ACMG/AMP sequence variant interpretation guidelines (Richards et al. 2015 PMID: 25741868, with internal and published modifications).

NM_018341.3(ERMARD):c.241C>T (p.His81Tyr)

Gene: ERMARD (ER membrane associated RNA degradation; plus strand). Cytogenetic location: 6q27.
Variant type: single nucleotide variant.
Coding change: c.241C>T on transcript NM_018341.3 (MANE Select); coding-DNA position 241, C replaced by T.
Protein change: p.His81Tyr; replaces histidine 81 with tyrosine.
Molecular consequence: missense variant. On other transcripts: 5 prime UTR variant (1).
Genome position (GRCh38, 1-based): chr6:169,755,348, C>T. VCF-style: chr6-169755348-C-T. GRCh37 (hg19) VCF-style: chr6-170155444-C-T.
Other names: c.241C>T, p.His81Tyr (NM_001278531.2, NM_001278533.2); c.-138C>T (NM_001278532.2); short protein forms H81Y.
Identifiers: ClinVar variation 435091 (VCV000435091.16), dbSNP rs137971039, ClinGen allele CA4105774.